The following is an entry in ClinVar:

ClinVar aggregate classification (germline): Uncertain significance. Review status: criteria provided, multiple submitters, no conflicts (2 of 4 stars). 2 submissions from 2 submitters: Uncertain significance (2). Last evaluated 2025-12-16.

Conditions:
Inborn genetic diseases. Identifiers: MedGen C0950123, MeSH D030342.
Mendelian susceptibility to mycobacterial diseases due to complete IL12B deficiency. Also called: IL12B DEFICIENCY; Immunodeficiency 29. Identifiers: Orphanet 319558, MedGen C4013948, MONDO:0013954, OMIM 614890.

Allele frequency attached by ClinVar (database versions not stated): gnomAD 0.00001 and 0.00002; gnomAD exomes 0.00003 and 0.00004; TOPMed 0.00005; ExAC 0.00006; ESP Exome Variant Server 0.00008; 1000 Genomes Project 0.00040; 1000 Genomes Project 30x 0.00047.

Submissions (2):

Ambry Genetics
Classification: Uncertain significance for Inborn genetic diseases. Last evaluated: 2025-12-16. Review status: criteria provided, single submitter. Criteria: Ambry Variant Classification Scheme 2023. Collection method: clinical testing. Allele origin: germline.

Labcorp Genetics (formerly Invitae), Labcorp
Classification: Uncertain significance for Mendelian susceptibility to mycobacterial diseases due to complete IL12B deficiency. Last evaluated: 2022-08-09. Review status: criteria provided, single submitter. Criteria: Invitae Variant Classification Sherloc (09022015). Collection method: clinical testing. Allele origin: germline.
Comment: This sequence change replaces glycine, which is neutral and non-polar, with arginine, which is basic and polar, at codon 171 of the IL12B protein (p.Gly171Arg). This variant is present in population databases (rs189313574, gnomAD 0.02%). This variant has not been reported in the literature in individuals affected with IL12B-related conditions. ClinVar contains an entry for this variant (Variation ID: 956732). Algorithms developed to predict the effect of missense changes on protein structure and function are either unavailable or do not agree on the potential impact of this missense change (SIFT: "Tolerated"; PolyPhen-2: "Possibly Damaging"; Align-GVGD: "Class C0"). In summary, the available evidence is currently insufficient to determine the role of this variant in disease. Therefore, it has been classified as a Variant of Uncertain Significance.

NM_002187.3(IL12B):c.511G>A (p.Gly171Arg)

Gene: IL12B (interleukin 12B; minus strand). Cytogenetic location: 5q33.3.
Variant type: single nucleotide variant.
Coding change: c.511G>A on transcript NM_002187.3 (MANE Select); coding-DNA position 511, G replaced by A.
Protein change: p.Gly171Arg; replaces glycine 171 with arginine.
Molecular consequence: missense variant.
Genome position (GRCh38, 1-based): chr5:159,320,492, C>T on the plus strand (G>A on the coding strand, the complement: IL12B is on the minus strand). VCF-style: chr5-159320492-C-T. GRCh37 (hg19) VCF-style: chr5-158747500-C-T.
Other names: short protein forms G171R.
Identifiers: ClinVar variation 956732 (VCV000956732.7), dbSNP rs189313574, ClinGen allele CA3538770.